The following is an entry in ClinVar:

NM_001384125.1(BLTP1):c.9732A>G (p.Gly3244=)

Gene: BLTP1 (bridge-like lipid transfer protein family member 1; plus strand). Cytogenetic location: 4q27.
Variant type: single nucleotide variant.
Coding change: c.9732A>G on transcript NM_001384125.1 (MANE Select); coding-DNA position 9732, A replaced by G.
Protein change: p.Gly3244=; no amino-acid change (glycine 3244 retained).
Molecular consequence: synonymous variant.
Genome position (GRCh38, 1-based): chr4:122,305,936, A>G. VCF-style: chr4-122305936-A-G. GRCh37 (hg19) VCF-style: chr4-123227091-A-G.
Other names: c.9732A>G, p.Gly3244= (NM_015312.4).
Identifiers: ClinVar variation 3032416 (VCV003032416.2), dbSNP rs930287363, ClinGen allele CA104798257.

ClinVar aggregate classification (germline): Likely benign (0 of 4 stars; one submission).

Conditions:
BLTP1-related disorder. Also called: BLTP1-related condition.

Allele frequency attached by ClinVar (database versions not stated): gnomAD exomes 0.00001; gnomAD 0.00007; TOPMed 0.00007.
gnomAD v4.1: 17 of 1,611,678 alleles (0.0011%); highest among the groups gnomAD compares: African/African-American, 0.021%; no homozygotes.

Submission:

PreventionGenetics, part of Exact Sciences
Classification: Likely benign for BLTP1-related condition. Last evaluated: 2022-05-06. Review status: no assertion criteria provided. Collection method: clinical testing. Allele origin: germline.
Comment: This variant is classified as likely benign based on ACMG/AMP sequence variant interpretation guidelines (Richards et al. 2015 PMID: 25741868, with internal and published modifications).